The following is an entry in ClinVar:

ClinVar aggregate classification (germline): Benign/Likely benign. Review status: criteria provided, multiple submitters, no conflicts (2 of 4 stars). 5 submissions from 3 submitters: Benign (4); Likely benign (1). Last evaluated 2023-02-08.

Conditions:
Spinocerebellar ataxia, autosomal recessive, with axonal neuropathy 2 (SCAN2). Also called: ATAXIA-OCULOMOTOR APRAXIA 2; Ataxia-ocular apraxia-2; Ataxia with Oculomotor Apraxia; Ataxia with Oculomotor Apraxia Type 2. Identifiers: Orphanet 64753, MedGen C1853761, MONDO:0018996, OMIM 606002.
Amyotrophic lateral sclerosis type 4 (ALS4). Also called: AMYOTROPHIC LATERAL SCLEROSIS 4, JUVENILE; NEURONOPATHY, DISTAL HEREDITARY MOTOR, WITH PYRAMIDAL FEATURES. Identifiers: Orphanet 357043, MedGen C1865409, MONDO:0011223, OMIM 602433.

Allele frequency attached by ClinVar (database versions not stated): gnomAD exomes 0.00007; gnomAD 0.00427 and 0.00452; TOPMed 0.00467; 1000 Genomes Project 0.00579; 1000 Genomes Project 30x 0.00625.
gnomAD v4.1: 640 of 166,656 alleles (0.38%); highest among the groups gnomAD compares: African/African-American, 1.5%; 3 homozygotes.

Submissions (5):

Genome-Nilou Lab
Classification: Benign for Spinocerebellar ataxia, autosomal recessive, with axonal neuropathy 2. Last evaluated: 2023-02-08. Review status: criteria provided, single submitter. Criteria: ACMG Guidelines, 2015. Collection method: clinical testing. Allele origin: germline.

Genome-Nilou Lab
Classification: Benign for Amyotrophic lateral sclerosis type 4. Last evaluated: 2023-02-08. Review status: criteria provided, single submitter. Criteria: ACMG Guidelines, 2015. Collection method: clinical testing. Allele origin: germline.

GeneDx
Classification: Likely benign. Last evaluated: 2021-08-31. Review status: criteria provided, single submitter. Criteria: GeneDx Variant Classification Process June 2021. Collection method: clinical testing. Allele origin: germline. Affected: yes.

Illumina Laboratory Services, Illumina
Classification: Benign for Amyotrophic lateral sclerosis type 4. Last evaluated: 2018-01-13. Review status: criteria provided, single submitter. Criteria: ICSL Variant Classification Criteria 13 December 2019. Collection method: clinical testing. Allele origin: germline.
Comment: This variant was observed in the ICSL laboratory as part of a predisposition screen in an ostensibly healthy population. It had not been previously curated by ICSL or reported in the Human Gene Mutation Database (HGMD: prior to June 1st, 2018), and was therefore a candidate for classification through an automated scoring system. Utilizing variant allele frequency, disease prevalence and penetrance estimates, and inheritance mode, an automated score was calculated to assess if this variant is too frequent to cause the disease. Based on the score and internal cut-off values, a variant classified as benign is not then subjected to further curation. The score for this variant resulted in a classification of benign for this disease.

Illumina Laboratory Services, Illumina
Classification: Benign for Spinocerebellar ataxia, autosomal recessive, with axonal neuropathy 2. Last evaluated: 2018-01-13. Review status: criteria provided, single submitter. Criteria: ICSL Variant Classification Criteria 13 December 2019. Collection method: clinical testing. Allele origin: germline.
Comment: the same text as in the submission from Illumina Laboratory Services, Illumina above.

NM_015046.7(SETX):c.*475A>C

Gene: SETX (senataxin; minus strand). Cytogenetic location: 9q34.13.
Variant type: single nucleotide variant.
Coding change: c.*475A>C on transcript NM_015046.7 (MANE Select); 475 bases downstream of the stop codon, A replaced by C.
Molecular consequence: 3 prime UTR variant.
Genome position (GRCh38, 1-based): chr9:132,263,764, T>G on the plus strand (A>C on the coding strand, the complement: SETX is on the minus strand). VCF-style: chr9-132263764-T-G. GRCh37 (hg19) VCF-style: chr9-135139151-T-G.
Other names: c.*475A>C (NM_001351527.2, NM_001351528.2).
Identifiers: ClinVar variation 912319 (VCV000912319.6), dbSNP rs60760878, ClinGen allele CA200793016.